The following is an entry in ClinVar:

NM_199420.4(POLQ):c.7416A>G (p.Ile2472Met)

Gene: POLQ (DNA polymerase theta; minus strand). Cytogenetic location: 3q13.33.
Variant type: single nucleotide variant.
Coding change: c.7416A>G on transcript NM_199420.4 (MANE Select); coding-DNA position 7416, A replaced by G.
Protein change: p.Ile2472Met; replaces isoleucine 2472 with methionine.
Molecular consequence: missense variant.
Genome position (GRCh38, 1-based): chr3:121,436,249, T>C on the plus strand (A>G on the coding strand, the complement: POLQ is on the minus strand). VCF-style: chr3-121436249-T-C. GRCh37 (hg19) VCF-style: chr3-121155096-T-C.
Other names: short protein forms I2472M.
Identifiers: ClinVar variation 3230156 (VCV003230156.1), dbSNP rs757878239, ClinGen allele CA354096179.
Genomic context (GRCh38, chr3:121,436,249, plus strand): 5'-TAATTGCTTCTGAATGTTAACTGTGGCTATTTTGACAATATCAGCTGCTGATCCTTGGAC[T>C]ATTGTGTTGATAGCTTGACGCTCAGCCTAGAAAAAACAATCAACAGGTGCTCCACCAGAT-3'
Protein context (NP_955452.3, residues 2462-2482): AHAERQAINT[Ile2472Met]VQGSAADIVK

ClinVar aggregate classification (germline): Uncertain significance (1 of 4 stars; one submission).

Submission:

Ambry Genetics
Classification: Uncertain significance. Last evaluated: 2023-12-15. Review status: criteria provided, single submitter. Criteria: Ambry Variant Classification Scheme 2023. Collection method: clinical testing. Allele origin: germline.
Comment: The p.I2472M variant (also known as c.7416A>G), located in coding exon 28 of the POLQ gene, results from an A to G substitution at nucleotide position 7416. The isoleucine at codon 2472 is replaced by methionine, an amino acid with highly similar properties. This amino acid position is conserved. In addition, this alteration is predicted to be tolerated by in silico analysis. Since supporting evidence is limited at this time, the clinical significance of this alteration remains unclear.